The following is an entry in ClinVar:

NM_020247.5(COQ8A):c.942A>G (p.Lys314=)

Gene: COQ8A (coenzyme Q8A; plus strand). Cytogenetic location: 1q42.13.
Variant type: single nucleotide variant.
Coding change: c.942A>G on transcript NM_020247.5 (MANE Select); coding-DNA position 942, A replaced by G.
Protein change: p.Lys314=; no amino-acid change (lysine 314 retained).
Molecular consequence: synonymous variant.
Genome position (GRCh38, 1-based): chr1:226,982,896, A>G. VCF-style: chr1-226982896-A-G. GRCh37 (hg19) VCF-style: chr1-227170597-A-G.
Identifiers: ClinVar variation 509199 (VCV000509199.1), dbSNP rs773910863, ClinGen allele CA1425240.
Genomic context (GRCh38, chr1:226,982,896, plus strand): 5'-TTCTCCCGGTGGCCCAGGCAGGGCATGCTCAGAGCCCCTCCCTGGCCCTGCCCTTCAGAA[A>G]ACTCTCAACAACGACCTGGGCCCCAACTGGCGGGACAAGTTGGAATACTTCGAGGAGCGG-3'
Protein context (NP_064632.2, residues 304-324): ADFMPLKQMM[Lys314=]TLNNDLGPNW

ClinVar aggregate classification (germline): Likely benign (1 of 4 stars; one submission).

Allele frequency attached by ClinVar (database versions not stated): gnomAD exomes below 0.00001; ExAC 0.00001.
gnomAD v4.1: 1 of 1,612,738 alleles (0.000062%); highest among the groups gnomAD compares: Admixed American, 0.0017%; no homozygotes.

Submission:

GeneDx
Classification: Likely benign. Last evaluated: 2017-05-03. Review status: criteria provided, single submitter. Criteria: GeneDx Variant Classification (06012015). Collection method: clinical testing. Allele origin: germline. Affected: yes.
Comment: This variant is considered likely benign or benign based on one or more of the following criteria: it is a conservative change, it occurs at a poorly conserved position in the protein, it is predicted to be benign by multiple in silico algorithms, and/or has population frequency not consistent with disease.